The following is an entry in ClinVar:

ClinVar aggregate classification (germline): Likely pathogenic. Review status: criteria provided, single submitter (1 of 4 stars). 2 submissions from 2 submitters: Likely pathogenic (1). 1 of the submissions does not count toward it. Last evaluated 2022-06-04.

Conditions:
LCAT deficiency. Also called: Lecithin Acyltransferase Deficiency. Identifiers: Orphanet 650, Orphanet 79293, MedGen C5779633, MONDO:0018999.

Allele frequency attached by ClinVar (database versions not stated): ExAC 0.00001; gnomAD exomes 0.00001; gnomAD 0.00003; TOPMed 0.00003.
gnomAD v4.1: 14 of 1,612,718 alleles (0.00087%); highest among the groups gnomAD compares: African/African-American, 0.004%; no homozygotes.

Submissions (2):

Labcorp Genetics (formerly Invitae), Labcorp
Classification: Likely pathogenic. Last evaluated: 2022-06-04. Review status: criteria provided, single submitter. Criteria: Invitae Variant Classification Sherloc (09022015). Collection method: clinical testing. Allele origin: germline.
Comment: This variant disrupts the p.Arg159 amino acid residue in LCAT. Other variant(s) that disrupt this residue have been observed in individuals with LCAT-related conditions (PMID: 8620346), which suggests that this may be a clinically significant amino acid residue. In summary, the currently available evidence indicates that the variant is pathogenic, but additional data are needed to prove that conclusively. Therefore, this variant has been classified as Likely Pathogenic. Algorithms developed to predict the effect of missense changes on protein structure and function are either unavailable or do not agree on the potential impact of this missense change (SIFT: "Deleterious"; PolyPhen-2: "Probably Damaging"; Align-GVGD: "Class C0"). ClinVar contains an entry for this variant (Variation ID: 3668). This variant is also known as Arg135Trp. This missense change has been observed in individual(s) with lecithin-cholesterol acyltransferase deficiency (PMID: 8432868; Invitae). In at least one individual the data is consistent with being in trans (on the opposite chromosome) from a pathogenic variant. It has also been observed to segregate with disease in related individuals. This variant is present in population databases (rs28940887, gnomAD 0.004%). This sequence change replaces arginine, which is basic and polar, with tryptophan, which is neutral and slightly polar, at codon 159 of the LCAT protein (p.Arg159Trp).

OMIM
Classification: Pathogenic for LCAT DEFICIENCY. Last evaluated: 1993-02-01. Review status: no assertion criteria provided. Collection method: literature only. Allele origin: germline. Not counted in ClinVar's aggregate classification.

Literature cited by the submitters: PubMed 8620346 (cited by Labcorp Genetics (formerly Invitae), Labcorp); PubMed 8432868 (cited by Labcorp Genetics (formerly Invitae), Labcorp and OMIM).

NM_000229.2(LCAT):c.475C>T (p.Arg159Trp)

Gene: LCAT (lecithin-cholesterol acyltransferase; minus strand). Cytogenetic location: 16q22.1.
Variant type: single nucleotide variant.
Coding change: c.475C>T on transcript NM_000229.2 (MANE Select); coding-DNA position 475, C replaced by T.
Protein change: p.Arg159Trp; replaces arginine 159 with tryptophan.
Molecular consequence: missense variant.
Genome position (GRCh38, 1-based): chr16:67,942,719, G>A on the plus strand (C>T on the coding strand, the complement: LCAT is on the minus strand). VCF-style: chr16-67942719-G-A. GRCh37 (hg19) VCF-style: chr16-67976622-G-A.
Other names: R135W; short protein forms R159W.
Identifiers: ClinVar variation 3668 (VCV000003668.5), dbSNP rs28940887, ClinGen allele CA116423.